The following is an entry in ClinVar:

NM_000147.5(FUCA1):c.3_4insAGGGGTAGCGATG

Gene: FUCA1 (alpha-L-fucosidase 1; minus strand). Cytogenetic location: 1p36.11.
Variant type: Duplication.
Coding change: c.3_4insAGGGGTAGCGATG on transcript NM_000147.5 (MANE Select); coding-DNA positions 3 to 4, AGGGGTAGCGATG inserted.
Molecular consequence: initiator codon variant.
Genome position: GRCh38 VCF-style: chr1-23868283-G-GCATCGCTACCCCT. GRCh37 (hg19) VCF-style: chr1-24194773-G-GCATCGCTACCCCT.
Identifiers: ClinVar variation 4845883 (VCV004845883.1).

ClinVar aggregate classification (germline): Likely pathogenic (1 of 4 stars; one submission).

Conditions:
Fucosidosis. Also called: ALPHA-L-FUCOSIDASE DEFICIENCY. Identifiers: Orphanet 349, MedGen C0016788, MONDO:0009254, OMIM 230000.

Submission:

First Genomix Gene Laboratory, Genetic Diagnostics Department
Classification: Likely pathogenic for Fucosidosis. Last evaluated: 2025-03-18. Review status: criteria provided, single submitter. Criteria: ACMG Guidelines, 2015. Collection method: clinical testing. Allele origin: germline. Inheritance: Autosomal recessive inheritance. Affected: no. Observed: 1 variant allele.